The following is an entry in ClinVar:

NM_032444.4(SLX4):c.388G>A (p.Ala130Thr)

Gene: SLX4 (SLX4 structure-specific endonuclease subunit; minus strand). Cytogenetic location: 16p13.3.
Variant type: single nucleotide variant.
Coding change: c.388G>A on transcript NM_032444.4 (MANE Select); coding-DNA position 388, G replaced by A.
Protein change: p.Ala130Thr; replaces alanine 130 with threonine.
Molecular consequence: missense variant.
Genome position (GRCh38, 1-based): chr16:3,608,577, C>T on the plus strand (G>A on the coding strand, the complement: SLX4 is on the minus strand). VCF-style: chr16-3608577-C-T. GRCh37 (hg19) VCF-style: chr16-3658578-C-T.
Other names: short protein forms A130T.
Identifiers: ClinVar variation 946390 (VCV000946390.9), dbSNP rs2040812493, ClinGen allele CA394547329.

ClinVar aggregate classification (germline): Uncertain significance (1 of 4 stars; one submission).

Conditions:
Fanconi anemia (FA). Also called: Fanconi's anemia. Identifiers: Orphanet 84, MedGen C0015625, MeSH D005199, MONDO:0019391.

Allele frequency attached by ClinVar (database versions not stated): gnomAD exomes 0.00001.
gnomAD v4.1: 9 of 1,614,164 alleles (0.00056%); highest among the groups gnomAD compares: Non-Finnish European, 0.00076%; no homozygotes.

Submission:

Labcorp Genetics (formerly Invitae), Labcorp
Classification: Uncertain significance for Fanconi anemia. Last evaluated: 2020-09-11. Review status: criteria provided, single submitter. Criteria: Invitae Variant Classification Sherloc (09022015). Collection method: clinical testing. Allele origin: germline.
Comment: In summary, the available evidence is currently insufficient to determine the role of this variant in disease. Therefore, it has been classified as a Variant of Uncertain Significance. Algorithms developed to predict the effect of missense changes on protein structure and function output the following: SIFT: "Tolerated"; PolyPhen-2: "Benign"; Align-GVGD: "Class C0". The threonine amino acid residue is found in multiple mammalian species, suggesting that this missense change does not adversely affect protein function. These predictions have not been confirmed by published functional studies and their clinical significance is uncertain. This variant has not been reported in the literature in individuals with SLX4-related conditions. This variant is not present in population databases (ExAC no frequency). This sequence change replaces alanine with threonine at codon 130 of the SLX4 protein (p.Ala130Thr). The alanine residue is weakly conserved and there is a small physicochemical difference between alanine and threonine.